The following is an entry in ClinVar:

ClinVar aggregate classification (germline): Uncertain significance (1 of 4 stars; one submission).

Submission:

GeneDx
Classification: Uncertain significance. Last evaluated: 2024-02-27. Review status: criteria provided, single submitter. Criteria: GeneDx Variant Classification Process June 2021. Collection method: clinical testing. Allele origin: germline. Affected: yes.
Comment: Not observed at significant frequency in large population cohorts (gnomAD); In silico analysis supports that this missense variant does not alter protein structure/function; Has not been previously published as pathogenic or benign to our knowledge

NM_001348323.3(TRIP12):c.5422C>G (p.Leu1808Val)

Gene: TRIP12 (thyroid hormone receptor interactor 12; minus strand). Cytogenetic location: 2q36.3.
Variant type: single nucleotide variant.
Coding change: c.5422C>G on transcript NM_001348323.3 (MANE Select); coding-DNA position 5422, C replaced by G.
Protein change: p.Leu1808Val; replaces leucine 1808 with valine.
Molecular consequence: missense variant.
Genome position (GRCh38, 1-based): chr2:229,777,422, G>C on the plus strand (C>G on the coding strand, the complement: TRIP12 is on the minus strand). VCF-style: chr2-229777422-G-C. GRCh37 (hg19) VCF-style: chr2-230642138-G-C.
Other names: c.5341C>G, p.Leu1781Val (NM_001284214.2, NM_001348315.2); c.5296C>G, p.Leu1766Val (NM_001284215.2, NM_001348316.2); c.4387C>G, p.Leu1463Val (NM_001284216.2); c.5281C>G, p.Leu1761Val (NM_001348317.1, NM_001348318.2); c.5407C>G, p.Leu1803Val (NM_001348319.1, NM_001348320.2); c.5410C>G, p.Leu1804Val (NM_001348321.1); c.5422C>G, p.Leu1808Val (NM_001348322.1, NM_001348324.2, NM_001348325.2 and 2 more transcripts); c.5425C>G, p.Leu1809Val (NM_001348328.1, NM_001348329.2, NM_001348330.2); and 4 more; short protein forms L1463V, L1733V, L1734V, L1761V, L1766V, L1774V, L1781V, L1782V.
Identifiers: ClinVar variation 3373389 (VCV003373389.1).